The following is an entry in ClinVar:

NM_018979.4(WNK1):c.3335A>G (p.His1112Arg)

Gene: WNK1 (WNK lysine deficient protein kinase 1; plus strand). Cytogenetic location: 12p13.33.
Variant type: single nucleotide variant.
Coding change: c.3335A>G on transcript NM_018979.4 (MANE Select); coding-DNA position 3335, A replaced by G.
Protein change: p.His1112Arg; replaces histidine 1112 with arginine.
Molecular consequence: missense variant.
Genome position (GRCh38, 1-based): chr12:882,036, A>G. VCF-style: chr12-882036-A-G. GRCh37 (hg19) VCF-style: chr12-991202-A-G.
Other names: c.4115A>G, p.His1372Arg (NM_001184985.2); c.2594A>G, p.His865Arg (NM_014823.3); c.4091A>G, p.His1364Arg (NM_213655.5); short protein forms H1112R, H865R, H1372R, H1364R.
Identifiers: ClinVar variation 1737748 (VCV001737748.8), dbSNP rs2548992149, ClinGen allele CA383328294.

ClinVar aggregate classification (germline): Uncertain significance. Review status: criteria provided, multiple submitters, no conflicts (2 of 4 stars). 2 submissions from 2 submitters: Uncertain significance (2). Last evaluated 2025-11-01.

Conditions:
Inborn genetic diseases. Identifiers: MedGen C0950123, MeSH D030342.

Allele frequency attached by ClinVar (database versions not stated): gnomAD exomes 0.00001.
gnomAD v4.1: 10 of 1,614,016 alleles (0.00062%); highest among the groups gnomAD compares: Non-Finnish European, 0.00076%; no homozygotes.

Submissions (2):

CeGaT Center for Human Genetics Tuebingen
Classification: Uncertain significance. Last evaluated: 2025-11-01. Review status: criteria provided, single submitter. Criteria: CeGaT Center For Human Genetics Tuebingen Variant Classification Criteria Version 2. Collection method: clinical testing. Allele origin: germline. Affected: yes. Observed: 1 variant allele.
Comment: WNK1: PM2

Ambry Genetics
Classification: Uncertain significance for Inborn genetic diseases. Last evaluated: 2021-08-10. Review status: criteria provided, single submitter. Criteria: Ambry Variant Classification Scheme 2023. Collection method: clinical testing. Allele origin: germline.
Comment: The p.H1364R variant (also known as c.4091A>G), located in coding exon 14 of the WNK1 gene, results from an A to G substitution at nucleotide position 4091. The histidine at codon 1364 is replaced by arginine, an amino acid with highly similar properties. This amino acid position is highly conserved in available vertebrate species. In addition, the in silico prediction for this alteration is inconclusive. Since supporting evidence is limited at this time, the clinical significance of this alteration remains unclear.